The following is an entry in ClinVar:

ClinVar aggregate classification (germline): Uncertain significance. Review status: criteria provided, multiple submitters, no conflicts (2 of 4 stars). 2 submissions from 2 submitters: Uncertain significance (2). Last evaluated 2024-01-22.

Allele frequency attached by ClinVar (database versions not stated): gnomAD 0.00010; TOPMed 0.00010; 1000 Genomes Project 30x 0.00016; ExAC 0.00018; 1000 Genomes Project 0.00020; gnomAD exomes 0.00022 and 0.00027; ESP Exome Variant Server 0.00031.
gnomAD v4.1: 414 of 1,614,138 alleles (0.026%); highest among the groups gnomAD compares: Non-Finnish European, 0.031%; no homozygotes.

Submissions (2):

Labcorp Genetics (formerly Invitae), Labcorp
Classification: Uncertain significance. Last evaluated: 2024-01-22. Review status: criteria provided, single submitter. Criteria: Invitae Variant Classification Sherloc (09022015). Collection method: clinical testing. Allele origin: germline.
Comment: This sequence change replaces serine, which is neutral and polar, with arginine, which is basic and polar, at codon 1295 of the RUSC2 protein (p.Ser1295Arg). This variant is present in population databases (rs148776122, gnomAD 0.05%). This variant has not been reported in the literature in individuals affected with RUSC2-related conditions. ClinVar contains an entry for this variant (Variation ID: 1348478). An algorithm developed to predict the effect of missense changes on protein structure and function (PolyPhen-2) suggests that this variant¬†is likely to be tolerated. In summary, the available evidence is currently insufficient to determine the role of this variant in disease. Therefore, it has been classified as a Variant of Uncertain Significance.

Ambry Genetics
Classification: Uncertain significance. Last evaluated: 2021-08-02. Review status: criteria provided, single submitter. Criteria: Ambry Variant Classification Scheme 2023. Collection method: clinical testing. Allele origin: germline.

NM_014806.5(RUSC2):c.3885C>A (p.Ser1295Arg)

Gene: RUSC2 (RUN and SH3 domain containing 2; plus strand). Cytogenetic location: 9p13.3.
Variant type: single nucleotide variant.
Coding change: c.3885C>A on transcript NM_014806.5 (MANE Select); coding-DNA position 3885, C replaced by A.
Protein change: p.Ser1295Arg; replaces serine 1295 with arginine.
Molecular consequence: missense variant. On other transcripts: non-coding transcript variant (1).
Genome position (GRCh38, 1-based): chr9:35,560,525, C>A. VCF-style: chr9-35560525-C-A. GRCh37 (hg19) VCF-style: chr9-35560522-C-A.
Other names: c.3885C>A, p.Ser1295Arg (NM_001135999.2); c.1251C>A, p.Ser417Arg (NM_001330740.2); c.3885C>A (NM_001135999.1); short protein forms S1295R, S417R.
Identifiers: ClinVar variation 1348478 (VCV001348478.5), dbSNP rs148776122, ClinGen allele CA5044261.